The following is an entry in ClinVar:

ClinVar aggregate classification (germline): Conflicting classifications of pathogenicity. Review status: criteria provided, conflicting classifications (1 of 4 stars). 4 submissions from 4 submitters: Uncertain significance (3); Likely benign (1). Last evaluated 2025-09-10.

Conditions:
Inborn genetic diseases. Identifiers: MedGen C0950123, MeSH D030342.
Age related macular degeneration 9. Identifiers: MedGen C1969651, MONDO:0012659, OMIM 611378.
Complement component 3 deficiency. Identifiers: Orphanet 280133, MedGen C3151071, MONDO:0013417, OMIM 613779.
Atypical hemolytic-uremic syndrome with C3 anomaly. Also called: AHUS, SUSCEPTIBILITY TO, 5. Identifiers: Orphanet 2134, MedGen C2752037, MONDO:0013043, OMIM 612925.

Allele frequency attached by ClinVar (database versions not stated): gnomAD exomes 0.00001; ExAC 0.00002; TOPMed 0.00003; gnomAD 0.00004 and 0.00005; ESP Exome Variant Server 0.00008.
gnomAD v4.1: 13 of 1,613,984 alleles (0.00081%); highest among the groups gnomAD compares: African/African-American, 0.015%; no homozygotes.

Submissions (4):

Ambry Genetics
Classification: Likely benign for Inborn genetic diseases. Last evaluated: 2025-09-10. Review status: criteria provided, single submitter. Criteria: Ambry Variant Classification Scheme 2023. Collection method: clinical testing. Allele origin: germline.

Labcorp Genetics (formerly Invitae), Labcorp
Classification: Uncertain significance. Last evaluated: 2024-11-29. Review status: criteria provided, single submitter. Criteria: Invitae Variant Classification Sherloc (09022015). Collection method: clinical testing. Allele origin: germline.
Comment: This sequence change replaces glycine, which is neutral and non-polar, with glutamic acid, which is acidic and polar, at codon 1044 of the C3 protein (p.Gly1044Glu). This variant is present in population databases (rs373392964, gnomAD 0.02%). This variant has not been reported in the literature in individuals affected with C3-related conditions. ClinVar contains an entry for this variant (Variation ID: 1678448). Invitae Evidence Modeling of protein sequence and biophysical properties (such as structural, functional, and spatial information, amino acid conservation, physicochemical variation, residue mobility, and thermodynamic stability) indicates that this missense variant is not expected to disrupt C3 protein function with a negative predictive value of 80%. In summary, the available evidence is currently insufficient to determine the role of this variant in disease. Therefore, it has been classified as a Variant of Uncertain Significance.

Fulgent Genetics
Classification: Uncertain significance for Age related macular degeneration 9; Atypical hemolytic-uremic syndrome with C3 anomaly; Complement component 3 deficiency. Last evaluated: 2022-05-04. Review status: criteria provided, single submitter. Criteria: ACMG Guidelines, 2015. Collection method: clinical testing. Allele origin: unknown.

AiLife Diagnostics
Classification: Uncertain significance. Last evaluated: 2021-06-15. Review status: criteria provided, single submitter. Criteria: ACMG Guidelines, 2015. Collection method: clinical testing. Allele origin: germline. Affected: yes. Observed: 1 variant allele.

NM_000064.4(C3):c.3131G>A (p.Gly1044Glu)

Gene: C3 (complement C3; minus strand). Cytogenetic location: 19p13.3.
Variant type: single nucleotide variant.
Coding change: c.3131G>A on transcript NM_000064.4 (MANE Select); coding-DNA position 3131, G replaced by A.
Protein change: p.Gly1044Glu; replaces glycine 1044 with glutamic acid.
Molecular consequence: missense variant.
Genome position (GRCh38, 1-based): chr19:6,694,454, C>T on the plus strand (G>A on the coding strand, the complement: C3 is on the minus strand). VCF-style: chr19-6694454-C-T. GRCh37 (hg19) VCF-style: chr19-6694465-C-T.
Other names: c.3131G>A (NM_000064.2); short protein forms G1044E.
Identifiers: ClinVar variation 1678448 (VCV001678448.6), dbSNP rs373392964, ClinGen allele CA9128856.